The following is an entry in ClinVar:

NM_017849.4(TMEM127):c.264G>T (p.Gln88His)

Gene: TMEM127 (transmembrane protein 127; minus strand). Cytogenetic location: 2q11.2.
Variant type: single nucleotide variant.
Coding change: c.264G>T on transcript NM_017849.4 (MANE Select); coding-DNA position 264, G replaced by T.
Protein change: p.Gln88His; replaces glutamine 88 with histidine.
Molecular consequence: missense variant.
Genome position (GRCh38, 1-based): chr2:96,254,978, C>A on the plus strand (G>T on the coding strand, the complement: TMEM127 is on the minus strand). VCF-style: chr2-96254978-C-A. GRCh37 (hg19) VCF-style: chr2-96920716-C-A.
Other names: c.264G>T, p.Gln88His (NM_001193304.3); c.12G>T, p.Gln4His (NM_001407282.1, NM_001407283.1); short protein forms Q88H, Q4H.
Identifiers: ClinVar variation 4730158 (VCV004730158.1).

ClinVar aggregate classification (germline): Uncertain significance (1 of 4 stars; one submission).

Conditions:
Hereditary pheochromocytoma and paraganglioma. Also called: Hereditary pheochromocytoma-paraganglioma; Hereditary Paraganglioma-Pheochromocytoma Syndromes; Hereditary paragangliomas and pheochromocytomas. Identifiers: Orphanet 29072, MedGen C4274332, MONDO:0017366.

Submission:

Labcorp Genetics (formerly Invitae), Labcorp
Classification: Uncertain significance for Hereditary pheochromocytoma and paraganglioma. Last evaluated: 2025-10-29. Review status: criteria provided, single submitter. Criteria: Invitae Variant Classification Sherloc (09022015). Collection method: clinical testing. Allele origin: germline.
Comment: This sequence change replaces glutamine, which is neutral and polar, with histidine, which is basic and polar, at codon 88 of the TMEM127 protein (p.Gln88His). This variant is not present in population databases (gnomAD no frequency). This variant has not been reported in the literature in individuals affected with TMEM127-related conditions. An algorithm developed to predict the effect of missense changes on protein structure and function (PolyPhen-2) suggests that this variant is likely to be disruptive. In summary, the available evidence is currently insufficient to determine the role of this variant in disease. Therefore, it has been classified as a Variant of Uncertain Significance.